The following is an entry in ClinVar:

ClinVar aggregate classification (germline): Uncertain significance. Review status: criteria provided, multiple submitters, no conflicts (2 of 4 stars). 3 submissions from 3 submitters: Uncertain significance (3). Last evaluated 2024-01-31.

Conditions:
Inborn genetic diseases. Identifiers: MedGen C0950123, MeSH D030342.
Sucrase-isomaltase deficiency (CSID). Also called: Deficiency of isomaltase; SI DEFICIENCY; Congenital sucrose isomaltose malabsorption; Sucrose isomaltose enzyme deficiency. Identifiers: Orphanet 35122, MedGen C1283620, MONDO:0009114, OMIM 222900.

Allele frequency attached by ClinVar (database versions not stated): gnomAD exomes below 0.00001; gnomAD 0.00005; TOPMed 0.00013.
gnomAD v4.1: 15 of 1,597,276 alleles (0.00094%); highest among the groups gnomAD compares: Admixed American, 0.017%; no homozygotes.

Submissions (3):

Fulgent Genetics
Classification: Uncertain significance for Sucrase-isomaltase deficiency. Last evaluated: 2024-01-31. Review status: criteria provided, single submitter. Criteria: ACMG Guidelines, 2015. Collection method: clinical testing. Allele origin: germline.

Ambry Genetics
Classification: Uncertain significance for Inborn genetic diseases. Last evaluated: 2023-12-30. Review status: criteria provided, single submitter. Criteria: Ambry Variant Classification Scheme 2023. Collection method: clinical testing. Allele origin: germline.

Labcorp Genetics (formerly Invitae), Labcorp
Classification: Uncertain significance. Last evaluated: 2022-03-12. Review status: criteria provided, single submitter. Criteria: Invitae Variant Classification Sherloc (09022015). Collection method: clinical testing. Allele origin: germline.
Comment: This sequence change replaces valine, which is neutral and non-polar, with isoleucine, which is neutral and non-polar, at codon 1334 of the SI protein (p.Val1334Ile). This variant is not present in population databases (gnomAD no frequency). This variant has not been reported in the literature in individuals affected with SI-related conditions. Algorithms developed to predict the effect of missense changes on protein structure and function are either unavailable or do not agree on the potential impact of this missense change (SIFT: "Tolerated"; PolyPhen-2: "Probably Damaging"; Align-GVGD: "Class C0"). In summary, the available evidence is currently insufficient to determine the role of this variant in disease. Therefore, it has been classified as a Variant of Uncertain Significance.

NM_001041.4(SI):c.4000G>A (p.Val1334Ile)

Gene: SI (sucrase-isomaltase; minus strand). Cytogenetic location: 3q26.1.
Variant type: single nucleotide variant.
Coding change: c.4000G>A on transcript NM_001041.4 (MANE Select); coding-DNA position 4000, G replaced by A.
Protein change: p.Val1334Ile; replaces valine 1334 with isoleucine.
Molecular consequence: missense variant.
Genome position (GRCh38, 1-based): chr3:165,013,042, C>T on the plus strand (G>A on the coding strand, the complement: SI is on the minus strand). VCF-style: chr3-165013042-C-T. GRCh37 (hg19) VCF-style: chr3-164730830-C-T.
Other names: c.4000G>A (NM_001041.3); short protein forms V1334I.
Identifiers: ClinVar variation 2414568 (VCV002414568.5), dbSNP rs961160800, ClinGen allele CA86506514.